The following is an entry in ClinVar:

ClinVar aggregate classification (germline): Uncertain significance (1 of 4 stars; one submission).

Conditions:
Multiple congenital anomalies-hypotonia-seizures syndrome 1 (MCAHS1). Also called: GLYCOSYLPHOSPHATIDYLINOSITOL BIOSYNTHESIS DEFECT 3; PIGN-CDG; Congenital disorder of glycosylation due to PIGN deficiency. Identifiers: Orphanet 280633, MedGen C3279775, MONDO:0013563, OMIM 614080.

Allele frequency attached by ClinVar (database versions not stated): gnomAD exomes below 0.00001.
gnomAD v4.1: 4 of 1,547,208 alleles (0.00026%); highest among the groups gnomAD compares: Middle Eastern, 0.017%; no homozygotes.

Submission:

Baylor Genetics
Classification: Uncertain significance for Multiple congenital anomalies-hypotonia-seizures syndrome 1. Last evaluated: 2019-05-17. Review status: criteria provided, single submitter. Criteria: ACMG Guidelines, 2015. Collection method: clinical testing. Allele origin: unknown. Affected: yes.
Comment: This variant was determined to be of uncertain significance according to ACMG Guidelines, 2015 [PMID:25741868].

NM_176787.5(PIGN):c.1144A>G (p.Thr382Ala)

Gene: PIGN (phosphatidylinositol glycan anchor biosynthesis class N; minus strand). Cytogenetic location: 18q21.33.
Variant type: single nucleotide variant.
Coding change: c.1144A>G on transcript NM_176787.5 (MANE Select); coding-DNA position 1144, A replaced by G.
Protein change: p.Thr382Ala; replaces threonine 382 with alanine.
Molecular consequence: missense variant.
Genome position (GRCh38, 1-based): chr18:62,138,271, T>C on the plus strand (A>G on the coding strand, the complement: PIGN is on the minus strand). VCF-style: chr18-62138271-T-C. GRCh37 (hg19) VCF-style: chr18-59805504-T-C.
Other names: c.1144A>G, p.Thr382Ala (NM_012327.6); short protein forms T382A.
Identifiers: ClinVar variation 1029294 (VCV001029294.1), dbSNP rs1303809190, ClinGen allele CA402607612.